The following is an entry in ClinVar:

NM_002691.4(POLD1):c.1877C>T (p.Thr626Ile)

Gene: POLD1 (DNA polymerase delta 1, catalytic subunit; plus strand). Cytogenetic location: 19q13.33.
Variant type: single nucleotide variant.
Coding change: c.1877C>T on transcript NM_002691.4 (MANE Select); coding-DNA position 1877, C replaced by T.
Protein change: p.Thr626Ile; replaces threonine 626 with isoleucine.
Molecular consequence: missense variant. On other transcripts: non-coding transcript variant (1).
Genome position (GRCh38, 1-based): chr19:50,408,886, C>T. VCF-style: chr19-50408886-C-T. GRCh37 (hg19) VCF-style: chr19-50912143-C-T.
Other names: c.1877C>T, p.Thr626Ile (NM_001256849.1); c.1955C>T, p.Thr652Ile (NM_001308632.1); c.1877C>T (NM_002691.2); short protein forms T652I, T626I.
Identifiers: ClinVar variation 408079 (VCV000408079.12), dbSNP rs1060501842, ClinGen allele CA16616152.

ClinVar aggregate classification (germline): Uncertain significance. Review status: criteria provided, multiple submitters, no conflicts (2 of 4 stars). 3 submissions from 3 submitters: Uncertain significance (3). Last evaluated 2026-01-13.

Conditions:
POLD1-related polyposis and colorectal cancer syndrome (CRCS10). Also called: Colorectal cancer, susceptibility to, 10; Colorectal cancer 10; COLORECTAL CANCER, SUSCEPTIBILITY TO, ON CHROMOSOME 19q. Identifiers: Orphanet 220460, MedGen C2675481, MONDO:0012953, OMIM 612591.
Hereditary cancer-predisposing syndrome. Also called: Neoplastic Syndromes, Hereditary; Hereditary neoplastic syndrome; Hereditary Cancer Syndrome; Tumor predisposition. Identifiers: Orphanet 140162, MedGen C0027672, MeSH D009386, MONDO:0015356.

Allele frequency attached by ClinVar (database versions not stated): gnomAD exomes 0.00002.
gnomAD v4.1: 11 of 1,611,724 alleles (0.00068%); highest among the groups gnomAD compares: East Asian, 0.025%; no homozygotes.

Submissions (3):

Labcorp Genetics (formerly Invitae), Labcorp
Classification: Uncertain significance for POLD1-related polyposis and colorectal cancer syndrome. Last evaluated: 2026-01-13. Review status: criteria provided, single submitter. Criteria: Invitae Variant Classification Sherloc (09022015). Collection method: clinical testing. Allele origin: germline.
Comment: This sequence change replaces threonine, which is neutral and polar, with isoleucine, which is neutral and non-polar, at codon 626 of the POLD1 protein (p.Thr626Ile). This variant is not present in population databases (gnomAD no frequency). This variant has not been reported in the literature in individuals affected with POLD1-related conditions. ClinVar contains an entry for this variant (Variation ID: 408079). Invitae Evidence Modeling of protein sequence and biophysical properties (such as structural, functional, and spatial information, amino acid conservation, physicochemical variation, residue mobility, and thermodynamic stability) indicates that this missense variant is not expected to disrupt POLD1 protein function with a negative predictive value of 80%. In summary, the available evidence is currently insufficient to determine the role of this variant in disease. Therefore, it has been classified as a Variant of Uncertain Significance.

Dasa
Classification: Uncertain significance. Last evaluated: 2025-05-30. Review status: criteria provided, single submitter. Criteria: DASA Assertion Criteria. Collection method: clinical testing. Allele origin: germline.
Comment: NM_002691.4(POLD1):c.1877C>T (p.Thr626Ile) is a missense variant that results in the substitution of threonine with isoleucine. Multiple computational predictions support a deleterious effect on the gene or gene product. The variant is present at low frequency in population datasets. Based on the available data, this variant is classified as variant of uncertain significance.

Ambry Genetics
Classification: Uncertain significance for Hereditary cancer-predisposing syndrome. Last evaluated: 2023-12-29. Review status: criteria provided, single submitter. Criteria: Ambry Variant Classification Scheme 2023. Collection method: clinical testing. Allele origin: germline.
Comment: The p.T626I variant (also known as c.1877C>T), located in coding exon 14 of the POLD1 gene, results from a C to T substitution at nucleotide position 1877. The threonine at codon 626 is replaced by isoleucine, an amino acid with similar properties. This amino acid position is conserved. In addition, this alteration is predicted to be tolerated by in silico analysis. Since supporting evidence is limited at this time, the clinical significance of this alteration remains unclear.